The following is an entry in ClinVar:

NM_001369.3(DNAH5):c.1160A>G (p.Tyr387Cys)

Gene: DNAH5 (dynein axonemal heavy chain 5; minus strand). Cytogenetic location: 5p15.2.
Variant type: single nucleotide variant.
Coding change: c.1160A>G on transcript NM_001369.3 (MANE Select); coding-DNA position 1160, A replaced by G.
Protein change: p.Tyr387Cys; replaces tyrosine 387 with cysteine.
Molecular consequence: missense variant.
Genome position (GRCh38, 1-based): chr5:13,916,385, T>C on the plus strand (A>G on the coding strand, the complement: DNAH5 is on the minus strand). VCF-style: chr5-13916385-T-C. GRCh37 (hg19) VCF-style: chr5-13916494-T-C.
Other names: short protein forms Y387C.
Identifiers: ClinVar variation 1736549 (VCV001736549.2), dbSNP rs1561565393, ClinGen allele CA359216517.

ClinVar aggregate classification (germline): Uncertain significance (1 of 4 stars; one submission).

Conditions:
Primary ciliary dyskinesia. Also called: Ciliary dyskinesia. Identifiers: Orphanet 244, MedGen C0008780, MONDO:0016575, HP:0012265.

Allele frequency attached by ClinVar (database versions not stated): gnomAD exomes 0.00001; TOPMed 0.00001.
gnomAD v4.1: 10 of 1,529,326 alleles (0.00065%); highest among the groups gnomAD compares: Non-Finnish European, 0.00091%; no homozygotes.

Submission:

Ambry Genetics
Classification: Uncertain significance for Primary ciliary dyskinesia. Last evaluated: 2017-12-27. Review status: criteria provided, single submitter. Criteria: Ambry Variant Classification Scheme 2023. Collection method: clinical testing. Allele origin: germline.
Comment: The p.Y387C variant (also known as c.1160A>G), located in coding exon 9 of the DNAH5 gene, results from an A to G substitution at nucleotide position 1160. The tyrosine at codon 387 is replaced by cysteine, an amino acid with highly dissimilar properties. This amino acid position is highly conserved in available vertebrate species. In addition, this alteration is predicted to be deleterious by in silico analysis. Since supporting evidence is limited at this time, the clinical significance of this alteration remains unclear.